The following is an entry in ClinVar:

ClinVar aggregate classification (germline): Uncertain significance (1 of 4 stars; one submission).

Allele frequency attached by ClinVar (database versions not stated): gnomAD exomes below 0.00001.
gnomAD v4.1: 2 of 1,614,104 alleles (0.00012%); highest among the groups gnomAD compares: Non-Finnish European, 0.00017%; no homozygotes.

Submission:

Labcorp Genetics (formerly Invitae), Labcorp
Classification: Uncertain significance. Last evaluated: 2025-10-23. Review status: criteria provided, single submitter. Criteria: Invitae Variant Classification Sherloc (09022015). Collection method: clinical testing. Allele origin: germline.
Comment: This sequence change replaces valine, which is neutral and non-polar, with methionine, which is neutral and non-polar, at codon 976 of the COL4A1 protein (p.Val976Met). This variant is not present in population databases (gnomAD no frequency). This variant has not been reported in the literature in individuals affected with COL4A1-related conditions. ClinVar contains an entry for this variant (Variation ID: 1446854). Invitae Evidence Modeling of protein sequence and biophysical properties (such as structural, functional, and spatial information, amino acid conservation, physicochemical variation, residue mobility, and thermodynamic stability) indicates that this missense variant is not expected to disrupt COL4A1 protein function with a negative predictive value of 95%. In summary, the available evidence is currently insufficient to determine the role of this variant in disease. Therefore, it has been classified as a Variant of Uncertain Significance.

NM_001845.6(COL4A1):c.2926G>A (p.Val976Met)

Gene: COL4A1 (collagen type IV alpha 1 chain; minus strand). Cytogenetic location: 13q34.
Variant type: single nucleotide variant.
Coding change: c.2926G>A on transcript NM_001845.6 (MANE Select); coding-DNA position 2926, G replaced by A.
Protein change: p.Val976Met; replaces valine 976 with methionine.
Molecular consequence: missense variant.
Genome position (GRCh38, 1-based): chr13:110,176,668, C>T on the plus strand (G>A on the coding strand, the complement: COL4A1 is on the minus strand). VCF-style: chr13-110176668-C-T. GRCh37 (hg19) VCF-style: chr13-110829015-C-T.
Other names: short protein forms V976M.
Identifiers: ClinVar variation 1446854 (VCV001446854.6), dbSNP rs1020346026, ClinGen allele CA388666273.